The following is an entry in ClinVar:

ClinVar aggregate classification (germline): Pathogenic/Likely pathogenic. Review status: criteria provided, multiple submitters, no conflicts (2 of 4 stars). 2 submissions from 2 submitters: Pathogenic (1); Likely pathogenic (1). Last evaluated 2020-10-19.

Conditions:
FG syndrome 4 (FGS4). Identifiers: MedGen C1845546, MONDO:0010318, OMIM 300422.
Intellectual disability, CASK-related, X-linked. Identifiers: MedGen CN043158.

Submissions (2):

Victorian Clinical Genetics Services, Murdoch Childrens Research Institute
Classification: Pathogenic for FG syndrome 4. Last evaluated: 2020-10-19. Review status: criteria provided, single submitter. Criteria: ACMG Guidelines, 2015. Collection method: clinical testing. Allele origin: germline. Inheritance: X-linked dominant inheritance.
Comment: Based on the classification scheme VCGS_Germline_v1.3.3, this variant is classified as pathogenic. Following criteria are met: 0102 - Loss of function is a known mechanism of disease in this gene and is associated with CASK-related symptoms. (I) 0110 - This gene is associated with X-linked dominant disease. (I) 0200 - Variant is predicted to result in a missense amino acid change from glutamic acid to glycine. (I) 0253 - This variant is hemizygous. (I) 0301 - Variant is absent from gnomAD (both v2 and v3). (SP) 0502 - Missense variant with conflicting in silico predictions and uninformative conservation. (I) 0603 - Missense variant in a region that is highly intolerant to missense variation (high constraint region in DECIPHER). (SP) 0705 - No comparable missense variants have previous evidence for pathogenicity. (I) 0801 - This variant has strong previous evidence of pathogenicity in unrelated individuals. This variant has been reported de novo in individuals with CASK-related symptoms (ClinVar). (SP) 0905 - No published segregation evidence has been identified for this variant. (I) 1007 - No published functional evidence has been identified for this variant. (SP) Legend: (SP) - Supporting pathogenic, (I) - Information, (SB) - Supporting benign

Labcorp Genetics (formerly Invitae), Labcorp
Classification: Likely pathogenic for Intellectual disability, CASK-related, X-linked. Last evaluated: 2017-10-11. Review status: criteria provided, single submitter. Criteria: Invitae Variant Classification Sherloc (09022015). Collection method: clinical testing. Allele origin: germline.
Comment: This variant has been osbserved to be de novo in individuals affected with CASK-related symptoms (Invitae). This sequence change replaces glutamic acid with glycine at codon 102 of the CASK protein (p.Glu102Gly). The glutamic acid residue is highly conserved and there is a moderate physicochemical difference between glutamic acid and glycine. This variant is not present in population databases (ExAC no frequency). Algorithms developed to predict the effect of missense changes on protein structure and function do not agree on the potential impact of this missense change (SIFT: "Deleterious"; PolyPhen-2: "Probably Damaging"; Align-GVGD: "Class C0"). In summary, the currently available evidence indicates that the variant is pathogenic, but additional data are needed to prove that conclusively. Therefore, this variant has been classified as Likely Pathogenic.

Literature cited by the submitters: PubMed 30549415 (cited by Victorian Clinical Genetics Services, Murdoch Childrens Research Institute).

NM_001367721.1(CASK):c.305A>G (p.Glu102Gly)

Gene: CASK (calcium/calmodulin dependent serine protein kinase; minus strand). Cytogenetic location: Xp11.4.
Variant type: single nucleotide variant.
Coding change: c.305A>G on transcript NM_001367721.1 (MANE Select); coding-DNA position 305, A replaced by G.
Protein change: p.Glu102Gly; replaces glutamic acid 102 with glycine.
Molecular consequence: missense variant.
Genome position (GRCh38, 1-based): chrX:41,745,575, T>C on the plus strand (A>G on the coding strand, the complement: CASK is on the minus strand). VCF-style: chrX-41745575-T-C. GRCh37 (hg19) VCF-style: chrX-41604828-T-C.
Other names: c.305A>G, p.Glu102Gly (NM_001126054.3, NM_001126055.3, NM_001410745.1 and 1 more transcripts); short protein forms E102G.
Identifiers: ClinVar variation 575647 (VCV000575647.12), dbSNP rs1569429756, ClinGen allele CA413003079.
Genomic context (GRCh38, chrX:41,745,575, plus strand): 5'-AATACATACCTGGCTACAGCTTCACTGTACACAAAACCAGCGTCAGCTCGCTTTACGATT[T>C]CAAAACACAGATCTGCTCCATCCATACTGTAAAAAAATGTGAAAAAGAACATAAGAAAAG-3'
Protein context (NP_001354650.1, residues 92-112): EFMDGADLCF[Glu102Gly]IVKRADAGFV